The following is an entry in ClinVar:

NM_001183.6(ATP6AP1):c.538C>T (p.Arg180Cys)

Gene: ATP6AP1 (ATPase H+ transporting accessory protein 1; plus strand). Cytogenetic location: Xq28.
Variant type: single nucleotide variant.
Coding change: c.538C>T on transcript NM_001183.6 (MANE Select); coding-DNA position 538, C replaced by T.
Protein change: p.Arg180Cys; replaces arginine 180 with cysteine.
Molecular consequence: missense variant.
Genome position (GRCh38, 1-based): chrX:154,432,440, C>T. VCF-style: chrX-154432440-C-T. GRCh37 (hg19) VCF-style: chrX-153660786-C-T.
Other names: c.538C>T (NM_001183.5, NM_001183.4); short protein forms R180C.
Identifiers: ClinVar variation 2871058 (VCV002871058.5), dbSNP rs200943680, ClinGen allele CA10562629.

ClinVar aggregate classification (germline): Conflicting classifications of pathogenicity. Review status: criteria provided, conflicting classifications (1 of 4 stars). 3 submissions from 3 submitters: Uncertain significance (2); Likely benign (1). Last evaluated 2026-02-02.

Conditions:
Inborn genetic diseases. Identifiers: MedGen C0950123, MeSH D030342.

Allele frequency attached by ClinVar (database versions not stated): gnomAD exomes 0.00001; 1000 Genomes Project 0.00026; gnomAD 0.00002; 1000 Genomes Project 30x 0.00021; TOPMed below 0.00001; ExAC 0.00003.
gnomAD v4.1: 10 of 1,189,077 alleles (0.00084%); highest among the groups gnomAD compares: East Asian, 0.003%; no homozygotes.

Submissions (3):

Labcorp Genetics (formerly Invitae), Labcorp
Classification: Likely benign. Last evaluated: 2026-02-02. Review status: criteria provided, single submitter. Criteria: Invitae Variant Classification Sherloc (09022015). Collection method: clinical testing. Allele origin: germline.

Ambry Genetics
Classification: Uncertain significance for Inborn genetic diseases. Last evaluated: 2025-06-03. Review status: criteria provided, single submitter. Criteria: Ambry Variant Classification Scheme 2023. Collection method: clinical testing. Allele origin: germline.

GeneDx
Classification: Uncertain significance. Last evaluated: 2023-07-24. Review status: criteria provided, single submitter. Criteria: GeneDx Variant Classification Process June 2021. Collection method: clinical testing. Allele origin: germline. Affected: yes.
Comment: In silico analysis supports that this missense variant has a deleterious effect on protein structure/function; Has not been previously published as pathogenic or benign to our knowledge